The following is an entry in ClinVar:

ClinVar aggregate classification (germline): Uncertain significance (1 of 4 stars; one submission).

Conditions:
Walker-Warburg congenital muscular dystrophy. Also called: Muscular dystrophy-dystroglycanopathy, type A; Walker-Warburg syndrome. Identifiers: Orphanet 899, MedGen C0265221, MONDO:0000171.

Submission:

Labcorp Genetics (formerly Invitae), Labcorp
Classification: Uncertain significance for Walker-Warburg congenital muscular dystrophy. Last evaluated: 2020-10-03. Review status: criteria provided, single submitter. Criteria: Invitae Variant Classification Sherloc (09022015). Collection method: clinical testing. Allele origin: germline.
Comment: This variant results in a copy number gain of the genomic region encompassing exons 3-4 of the FKTN gene. The 5' end of this event is unknown as it extends beyond the assayed region for this gene and therefore may encompass additional genes. The 3' boundary is likely confined to intron 4 of the FKTN gene. As the precise location of this event is unknown, it may be in tandem or it may be located elsewhere in the genome. This variant has not been reported in the literature in individuals with FKTN-related disease. In summary, the available evidence is currently insufficient to determine the role of this variant in disease. Therefore, it has been classified as a Variant of Uncertain Significance.

NC_000009.11:g.(?_108337304)_(108358948_?)dup

Gene: FKTN (fukutin; plus strand). Cytogenetic location: 9q31.2.
Variant type: Duplication.
Identifiers: ClinVar variation 651835 (VCV000651835.5).